The following is an entry in ClinVar:

NM_020987.5(ANK3):c.1218T>C (p.Ile406=)

Gene: ANK3 (ankyrin 3; minus strand). Cytogenetic location: 10q21.2.
Variant type: single nucleotide variant.
Coding change: c.1218T>C on transcript NM_020987.5 (MANE Select); coding-DNA position 1218, T replaced by C.
Protein change: p.Ile406=; no amino-acid change (isoleucine 406 retained).
Molecular consequence: synonymous variant.
Genome position (GRCh38, 1-based): chr10:60,205,867, A>G on the plus strand (T>C on the coding strand, the complement: ANK3 is on the minus strand). VCF-style: chr10-60205867-A-G. GRCh37 (hg19) VCF-style: chr10-61965625-A-G.
Other names: c.1200T>C, p.Ile400= (NM_001204403.2); c.1167T>C, p.Ile389= (NM_001204404.2); c.1218T>C, p.Ile406= (NM_001320874.2).
Identifiers: ClinVar variation 128362 (VCV000128362.15), dbSNP rs2297979, ClinGen allele CA151771.

ClinVar aggregate classification (germline): Benign. Review status: criteria provided, multiple submitters, no conflicts (2 of 4 stars). 3 submissions from 3 submitters: Benign (2). 1 of the submissions does not count toward it. Last evaluated 2026-02-01.

Allele frequency attached by ClinVar (database versions not stated): 1000 Genomes Project 0.15156; ExAC 0.15961; gnomAD 0.17242 and 0.17447; TOPMed 0.17326; ESP Exome Variant Server 0.18176; 1000 Genomes Project 30x 0.14944; gnomAD exomes 0.15852.
gnomAD v4.1: 281,983 of 1,611,316 alleles (18%); highest among the groups gnomAD compares: African/African-American, 19%; 25,484 homozygotes.

Submissions (3):

Labcorp Genetics (formerly Invitae), Labcorp
Classification: Benign. Last evaluated: 2026-02-01. Review status: criteria provided, single submitter. Criteria: Invitae Variant Classification Sherloc (09022015). Collection method: clinical testing. Allele origin: germline.

Breakthrough Genomics
Classification: Benign. Review status: criteria provided, single submitter. Criteria: ACMG Guidelines, 2015. Collection method: not provided. Allele origin: germline. Inheritance: Autosomal recessive inheritance. Affected: yes.

Genetic Services Laboratory, University of Chicago
Classification: Likely benign for AllHighlyPenetrant. Review status: no assertion criteria provided. Collection method: clinical testing. Allele origin: germline. Inheritance: Autosomal recessive inheritance. Not counted in ClinVar's aggregate classification.
Comment: Likely benign based on allele frequency in 1000 Genomes Project or ESP global frequency and its presence in a patient with a rare or unrelated disease phenotype. NOT Sanger confirmed.